The following is an entry in ClinVar:

NM_172362.3(KCNH1):c.2029C>A (p.Leu677Met)

Gene: KCNH1 (potassium voltage-gated channel subfamily H member 1; minus strand). Cytogenetic location: 1q32.2.
Variant type: single nucleotide variant.
Coding change: c.2029C>A on transcript NM_172362.3 (MANE Select); coding-DNA position 2029, C replaced by A.
Protein change: p.Leu677Met; replaces leucine 677 with methionine.
Molecular consequence: missense variant.
Genome position (GRCh38, 1-based): chr1:210,775,431, G>T on the plus strand (C>A on the coding strand, the complement: KCNH1 is on the minus strand). VCF-style: chr1-210775431-G-T. GRCh37 (hg19) VCF-style: chr1-210948773-G-T.
Other names: c.1948C>A, p.Leu650Met (NM_002238.4); short protein forms L677M, L650M.
Identifiers: ClinVar variation 3633728 (VCV003633728.2).
Genomic context (GRCh38, chr1:210,775,431, plus strand): 5'-GAATCAGGTTCCGGGAGAAGGAATGGGAGAAGGCCGTGTAGAATTCCAGCACTTTCTGCA[G>T]GGCATCCCGCTTGATCACATGCAGATCACAGTAGGTCAAGGCCCTAACATTGGCACAGGA-3'
Protein context (NP_758872.1, residues 667-687): CDLHVIKRDA[Leu677Met]QKVLEFYTAF

ClinVar aggregate classification (germline): Uncertain significance (1 of 4 stars; one submission).

Submission:

Labcorp Genetics (formerly Invitae), Labcorp
Classification: Uncertain significance. Last evaluated: 2024-06-22. Review status: criteria provided, single submitter. Criteria: Invitae Variant Classification Sherloc (09022015). Collection method: clinical testing. Allele origin: germline.
Comment: This sequence change replaces leucine, which is neutral and non-polar, with methionine, which is neutral and non-polar, at codon 677 of the KCNH1 protein (p.Leu677Met). This variant is not present in population databases (gnomAD no frequency). This variant has not been reported in the literature in individuals affected with KCNH1-related conditions. Advanced modeling of protein sequence and biophysical properties (such as structural, functional, and spatial information, amino acid conservation, physicochemical variation, residue mobility, and thermodynamic stability) has been performed at Invitae for this missense variant, however the output from this modeling did not meet the statistical confidence thresholds required to predict the impact of this variant on KCNH1 protein function. In summary, the available evidence is currently insufficient to determine the role of this variant in disease. Therefore, it has been classified as a Variant of Uncertain Significance.